The following is an entry in ClinVar:

NM_004304.5(ALK):c.1931T>G (p.Ile644Ser)

Gene: ALK (ALK receptor tyrosine kinase; minus strand). Cytogenetic location: 2p23.2.
Variant type: single nucleotide variant.
Coding change: c.1931T>G on transcript NM_004304.5 (MANE Select); coding-DNA position 1931, T replaced by G.
Protein change: p.Ile644Ser; replaces isoleucine 644 with serine.
Molecular consequence: missense variant.
Genome position (GRCh38, 1-based): chr2:29,275,209, A>C on the plus strand (T>G on the coding strand, the complement: ALK is on the minus strand). VCF-style: chr2-29275209-A-C. GRCh37 (hg19) VCF-style: chr2-29498075-A-C.
Other names: short protein forms I644S.
Identifiers: ClinVar variation 935056 (VCV000935056.10), dbSNP rs774398992, ClinGen allele CA1594481.

ClinVar aggregate classification (germline): Uncertain significance. Review status: criteria provided, multiple submitters, no conflicts (2 of 4 stars). 2 submissions from 2 submitters: Uncertain significance (2). Last evaluated 2025-08-28.

Conditions:
Hereditary cancer-predisposing syndrome. Also called: Tumor predisposition; Hereditary neoplastic syndrome; Neoplastic Syndromes, Hereditary; Hereditary Cancer Syndrome. Identifiers: Orphanet 140162, MedGen C0027672, MeSH D009386, MONDO:0015356.
Neuroblastoma, susceptibility to, 3. Also called: ALK-Related Neuroblastic Tumor Susceptibility. Identifiers: Orphanet 635, MedGen C2751681, MONDO:0013083, OMIM 613014.

Allele frequency attached by ClinVar (database versions not stated): gnomAD exomes below 0.00001; TOPMed below 0.00001; ExAC 0.00001.
gnomAD v4.1: 3 of 1,614,068 alleles (0.00019%); highest among the groups gnomAD compares: Non-Finnish European, 0.000085%; no homozygotes.

Submissions (2):

Labcorp Genetics (formerly Invitae), Labcorp
Classification: Uncertain significance for Neuroblastoma, susceptibility to, 3. Last evaluated: 2025-08-28. Review status: criteria provided, single submitter. Criteria: Invitae Variant Classification Sherloc (09022015). Collection method: clinical testing. Allele origin: germline.
Comment: This sequence change replaces isoleucine, which is neutral and non-polar, with serine, which is neutral and polar, at codon 644 of the ALK protein (p.Ile644Ser). This variant is present in population databases (rs774398992, gnomAD no frequency). This variant has not been reported in the literature in individuals affected with ALK-related conditions. ClinVar contains an entry for this variant (Variation ID: 935056). An algorithm developed to predict the effect of missense changes on protein structure and function (PolyPhen-2) suggests that this variant is likely to be tolerated. In summary, the available evidence is currently insufficient to determine the role of this variant in disease. Therefore, it has been classified as a Variant of Uncertain Significance.

Ambry Genetics
Classification: Uncertain significance for Hereditary cancer-predisposing syndrome. Last evaluated: 2022-04-21. Review status: criteria provided, single submitter. Criteria: Ambry Variant Classification Scheme 2023. Collection method: clinical testing. Allele origin: germline.
Comment: The p.I644S variant (also known as c.1931T>G), located in coding exon 11 of the ALK gene, results from a T to G substitution at nucleotide position 1931. The isoleucine at codon 644 is replaced by serine, an amino acid with dissimilar properties. This amino acid position is conserved. In addition, this alteration is predicted to be tolerated by in silico analysis. Since supporting evidence is limited at this time, the clinical significance of this alteration remains unclear.